The following is an entry in ClinVar:

ClinVar aggregate classification (germline): Uncertain significance (1 of 4 stars; one submission).

Allele frequency attached by ClinVar (database versions not stated): gnomAD exomes below 0.00001.
gnomAD v4.1: 1 of 1,600,170 alleles (0.000062%); highest among the groups gnomAD compares: Non-Finnish European, 0.000085%; no homozygotes.

Submission:

Labcorp Genetics (formerly Invitae), Labcorp
Classification: Uncertain significance. Last evaluated: 2022-05-23. Review status: criteria provided, single submitter. Criteria: Invitae Variant Classification Sherloc (09022015). Collection method: clinical testing. Allele origin: germline.
Comment: In summary, the available evidence is currently insufficient to determine the role of this variant in disease. Therefore, it has been classified as a Variant of Uncertain Significance. Algorithms developed to predict the effect of missense changes on protein structure and function are either unavailable or do not agree on the potential impact of this missense change (SIFT: "Deleterious"; PolyPhen-2: "Benign"; Align-GVGD: "Class C0"). This variant has not been reported in the literature in individuals affected with TOPORS-related conditions. This variant is not present in population databases (gnomAD no frequency). This sequence change replaces alanine, which is neutral and non-polar, with threonine, which is neutral and polar, at codon 69 of the TOPORS protein (p.Ala69Thr).

NM_005802.5(TOPORS):c.205G>A (p.Ala69Thr)

Gene: TOPORS (TOP1 binding arginine/serine rich protein, E3 ubiquitin ligase; minus strand). Cytogenetic location: 9p21.1.
Variant type: single nucleotide variant.
Coding change: c.205G>A on transcript NM_005802.5 (MANE Select); coding-DNA position 205, G replaced by A.
Protein change: p.Ala69Thr; replaces alanine 69 with threonine.
Molecular consequence: missense variant.
Genome position (GRCh38, 1-based): chr9:32,544,320, C>T on the plus strand (G>A on the coding strand, the complement: TOPORS is on the minus strand). VCF-style: chr9-32544320-C-T. GRCh37 (hg19) VCF-style: chr9-32544318-C-T.
Other names: c.10G>A, p.Ala4Thr (NM_001195622.2); short protein forms A69T, A4T.
Identifiers: ClinVar variation 1964625 (VCV001964625.5), dbSNP rs2489455758, ClinGen allele CA373173181.